The following is an entry in ClinVar:

NM_016169.4(SUFU):c.1082T>G (p.Ile361Ser)

Gene: SUFU (SUFU negative regulator of hedgehog signaling; plus strand). Cytogenetic location: 10q24.32.
Variant type: single nucleotide variant.
Coding change: c.1082T>G on transcript NM_016169.4 (MANE Select); coding-DNA position 1082, T replaced by G.
Protein change: p.Ile361Ser; replaces isoleucine 361 with serine.
Molecular consequence: missense variant.
Genome position (GRCh38, 1-based): chr10:102,615,327, T>G. VCF-style: chr10-102615327-T-G. GRCh37 (hg19) VCF-style: chr10-104375084-T-G.
Other names: c.1082T>G, p.Ile361Ser (NM_001178133.2); short protein forms I361S.
Identifiers: ClinVar variation 1723599 (VCV001723599.4), dbSNP rs2492779136, ClinGen allele CA377914053.

ClinVar aggregate classification (germline): Uncertain significance. Review status: criteria provided, multiple submitters, no conflicts (2 of 4 stars). 3 submissions from 3 submitters: Uncertain significance (3). Last evaluated 2024-07-11.

Conditions:
Hereditary cancer-predisposing syndrome. Also called: Neoplastic Syndromes, Hereditary; Tumor predisposition; Hereditary neoplastic syndrome; Hereditary Cancer Syndrome. Identifiers: Orphanet 140162, MedGen C0027672, MeSH D009386, MONDO:0015356.
Familial meningioma. Also called: Meningioma, familial, susceptibility to. Identifiers: Orphanet 263662, MedGen C3551915, MONDO:0011789, OMIM 607174.

Submissions (3):

Ambry Genetics
Classification: Uncertain significance for Hereditary cancer-predisposing syndrome. Last evaluated: 2024-07-11. Review status: criteria provided, single submitter. Criteria: Ambry Variant Classification Scheme 2023. Collection method: clinical testing. Allele origin: germline.
Comment: The p.I361S variant (also known as c.1082T>G), located in coding exon 9 of the SUFU gene, results from a T to G substitution at nucleotide position 1082. The isoleucine at codon 361 is replaced by serine, an amino acid with dissimilar properties. This amino acid position is conserved. In addition, this alteration is predicted to be tolerated by in silico analysis. Based on the available evidence, the clinical significance of this variant remains unclear.

Baylor Genetics
Classification: Uncertain significance for Familial meningioma. Last evaluated: 2024-02-11. Review status: criteria provided, single submitter. Criteria: ACMG Guidelines, 2015. Collection method: clinical testing. Allele origin: unknown.

GeneDx
Classification: Uncertain significance. Last evaluated: 2022-05-11. Review status: criteria provided, single submitter. Criteria: GeneDx Variant Classification Process June 2021. Collection method: clinical testing. Allele origin: germline. Affected: yes.
Comment: Not observed at significant frequency in large population cohorts (gnomAD); In silico analysis supports that this missense variant does not alter protein structure/function; Has not been previously published as pathogenic or benign to our knowledge